The following is an entry in ClinVar:

NM_014874.4(MFN2):c.284G>A (p.Arg95Lys)

Gene: MFN2 (mitofusin 2; plus strand). Cytogenetic location: 1p36.22.
Variant type: single nucleotide variant.
Coding change: c.284G>A on transcript NM_014874.4 (MANE Select); coding-DNA position 284, G replaced by A.
Protein change: p.Arg95Lys; replaces arginine 95 with lysine.
Molecular consequence: missense variant.
Genome position (GRCh38, 1-based): chr1:11,992,663, G>A. VCF-style: chr1-11992663-G-A. GRCh37 (hg19) VCF-style: chr1-12052720-G-A.
Other names: c.284G>A, p.Arg95Lys (NM_001127660.2); short protein forms R95K.
Identifiers: ClinVar variation 1045318 (VCV001045318.8), dbSNP rs1638740596, ClinGen allele CA338462186.

ClinVar aggregate classification (germline): Uncertain significance (1 of 4 stars; one submission).

Conditions:
Charcot-Marie-Tooth disease type 2. Also called: Charcot-Marie-Tooth type 2. Identifiers: Orphanet 64746, MedGen C0270914, MONDO:0018993.

Submission:

Labcorp Genetics (formerly Invitae), Labcorp
Classification: Uncertain significance for Charcot-Marie-Tooth disease type 2. Last evaluated: 2022-03-18. Review status: criteria provided, single submitter. Criteria: Invitae Variant Classification Sherloc (09022015). Collection method: clinical testing. Allele origin: germline.
Comment: ClinVar contains an entry for this variant (Variation ID: 1045318). This variant has not been reported in the literature in individuals affected with MFN2-related conditions. This variant is not present in population databases (gnomAD no frequency). This sequence change replaces arginine, which is basic and polar, with lysine, which is basic and polar, at codon 95 of the MFN2 protein (p.Arg95Lys). Algorithms developed to predict the effect of missense changes on protein structure and function are either unavailable or do not agree on the potential impact of this missense change (SIFT: "Tolerated"; PolyPhen-2: "Possibly Damaging"; Align-GVGD: "Class C0"). This variant disrupts the p.Arg95 amino acid residue in MFN2. Other variant(s) that disrupt this residue have been determined to be pathogenic (Invitae). This suggests that this residue is clinically significant, and that variants that disrupt this residue are likely to be disease-causing. In summary, the available evidence is currently insufficient to determine the role of this variant in disease. Therefore, it has been classified as a Variant of Uncertain Significance.